The following is an entry in ClinVar:

ClinVar aggregate classification (germline): Uncertain significance (1 of 4 stars; one submission).

Submission:

GeneDx
Classification: Uncertain significance. Last evaluated: 2024-11-07. Review status: criteria provided, single submitter. Criteria: GeneDx Variant Classification Process June 2021. Collection method: clinical testing. Allele origin: germline. Affected: yes.
Comment: Not observed at significant frequency in large population cohorts (gnomAD); In silico analysis supports that this missense variant has a deleterious effect on protein structure/function; Has not been previously published as pathogenic or benign to our knowledge; In silico analysis is inconclusive as to whether the variant alters gene splicing. In the absence of RNA/functional studies, the actual effect of this sequence change is unknown.

NM_170606.3(KMT2C):c.9457G>A (p.Gly3153Ser)

Gene: KMT2C (lysine methyltransferase 2C; minus strand). Cytogenetic location: 7q36.1.
Variant type: single nucleotide variant.
Coding change: c.9457G>A on transcript NM_170606.3 (MANE Select); coding-DNA position 9457, G replaced by A.
Protein change: p.Gly3153Ser; replaces glycine 3153 with serine.
Molecular consequence: missense variant.
Genome position (GRCh38, 1-based): chr7:152,169,246, C>T on the plus strand (G>A on the coding strand, the complement: KMT2C is on the minus strand). VCF-style: chr7-152169246-C-T. GRCh37 (hg19) VCF-style: chr7-151866331-C-T.
Other names: short protein forms G3153S.
Identifiers: ClinVar variation 3375778 (VCV003375778.1).